The following is an entry in ClinVar:

NM_004958.4(MTOR):c.1078C>A (p.Arg360=)

Gene: MTOR (mechanistic target of rapamycin kinase; minus strand). Cytogenetic location: 1p36.22.
Variant type: single nucleotide variant.
Coding change: c.1078C>A on transcript NM_004958.4 (MANE Select); coding-DNA position 1078, C replaced by A.
Protein change: p.Arg360=; no amino-acid change (arginine 360 retained).
Molecular consequence: synonymous variant. On other transcripts: 5 prime UTR variant (1).
Genome position (GRCh38, 1-based): chr1:11,247,857, G>T on the plus strand (C>A on the coding strand, the complement: MTOR is on the minus strand). VCF-style: chr1-11247857-G-T. GRCh37 (hg19) VCF-style: chr1-11307914-G-T.
Other names: c.1078C>A, p.Arg360= (NM_001386500.1); c.-62C>A (NM_001386501.1).
Identifiers: ClinVar variation 2144731 (VCV002144731.20), dbSNP rs748256443, ClinGen allele CA590817.

ClinVar aggregate classification (germline): Likely benign. Review status: criteria provided, multiple submitters, no conflicts (2 of 4 stars). 2 submissions from 2 submitters: Likely benign (2). Last evaluated 2024-08-01.

Allele frequency attached by ClinVar (database versions not stated): ExAC 0.00002.
gnomAD v4.1: 16 of 1,613,910 alleles (0.00099%); highest among the groups gnomAD compares: Middle Eastern, 0.017%; no homozygotes.

Submissions (2):

CeGaT Center for Human Genetics Tuebingen
Classification: Likely benign. Last evaluated: 2024-08-01. Review status: criteria provided, single submitter. Criteria: CeGaT Center For Human Genetics Tuebingen Variant Classification Criteria Version 2. Collection method: clinical testing. Allele origin: germline. Affected: yes. Observed: 1 variant allele.
Comment: MTOR: BP4

Labcorp Genetics (formerly Invitae), Labcorp
Classification: Likely benign. Last evaluated: 2024-04-08. Review status: criteria provided, single submitter. Criteria: Invitae Variant Classification Sherloc (09022015). Collection method: clinical testing. Allele origin: germline.